The following is an entry in ClinVar:

ClinVar aggregate classification (germline): Uncertain significance (1 of 4 stars; one submission).

Submission:

Labcorp Genetics (formerly Invitae), Labcorp
Classification: Uncertain significance. Last evaluated: 2023-12-19. Review status: criteria provided, single submitter. Criteria: Invitae Variant Classification Sherloc (09022015). Collection method: clinical testing. Allele origin: germline.
Comment: This sequence change replaces asparagine, which is neutral and polar, with tyrosine, which is neutral and polar, at codon 1192 of the RNF213 protein (p.Asn1192Tyr). This variant is not present in population databases (gnomAD no frequency). This variant has not been reported in the literature in individuals affected with RNF213-related conditions. An algorithm developed to predict the effect of missense changes on protein structure and function (PolyPhen-2) suggests that this variant is likely to be disruptive. In summary, the available evidence is currently insufficient to determine the role of this variant in disease. Therefore, it has been classified as a Variant of Uncertain Significance.

NM_001256071.3(RNF213):c.3574A>T (p.Asn1192Tyr)

Gene: RNF213 (ring finger protein 213; plus strand). Cytogenetic location: 17q25.3.
Variant type: single nucleotide variant.
Coding change: c.3574A>T on transcript NM_001256071.3 (MANE Select); coding-DNA position 3574, A replaced by T.
Protein change: p.Asn1192Tyr; replaces asparagine 1192 with tyrosine.
Molecular consequence: missense variant.
Genome position (GRCh38, 1-based): chr17:80,332,062, A>T. VCF-style: chr17-80332062-A-T. GRCh37 (hg19) VCF-style: chr17-78305862-A-T.
Other names: c.3721A>T, p.Asn1241Tyr (NM_001410195.1, NM_020914.5); short protein forms N1192Y, N1241Y.
Identifiers: ClinVar variation 2879707 (VCV002879707.3), dbSNP rs2511328843, ClinGen allele CA401380899.